The following is an entry in ClinVar:

NM_002332.3(LRP1):c.12891C>T (p.Gly4297=)

Gene: LRP1 (LDL receptor related protein 1; plus strand). Cytogenetic location: 12q13.3.
Variant type: single nucleotide variant.
Coding change: c.12891C>T on transcript NM_002332.3 (MANE Select); coding-DNA position 12891, C replaced by T.
Protein change: p.Gly4297=; no amino-acid change (glycine 4297 retained).
Molecular consequence: synonymous variant.
Genome position (GRCh38, 1-based): chr12:57,210,854, C>T. VCF-style: chr12-57210854-C-T. GRCh37 (hg19) VCF-style: chr12-57604637-C-T.
Identifiers: ClinVar variation 4975106 (VCV004975106.1).

ClinVar aggregate classification (germline): Uncertain significance (1 of 4 stars; one submission).

gnomAD v4.1: 2 of 1,612,618 alleles (0.00012%); highest among the groups gnomAD compares: Non-Finnish European, 0.00017%; no homozygotes.

Submission:

GeneDx
Classification: Uncertain significance. Last evaluated: 2025-01-24. Review status: criteria provided, single submitter. Criteria: GeneDx Variant Classification Process June 2021. Collection method: clinical testing. Allele origin: germline.
Comment: Has not been previously published as pathogenic or benign to our knowledge; In silico analysis indicates that this variant does not alter splicing; Variants in candidate genes are classified as variants of uncertain significance in accordance with ACMG guidelines (PMID: 25741868)